The following is an entry in ClinVar:

ClinVar aggregate classification (germline): Conflicting classifications of pathogenicity. Review status: criteria provided, conflicting classifications (1 of 4 stars). 2 submissions from 2 submitters: Uncertain significance (1); Likely benign (1). Last evaluated 2026-08-21.

Conditions:
Hereditary cancer-predisposing syndrome. Also called: Tumor predisposition; Hereditary neoplastic syndrome; Hereditary Cancer Syndrome; Neoplastic Syndromes, Hereditary. Identifiers: Orphanet 140162, MedGen C0027672, MeSH D009386, MONDO:0015356.

Submissions (2):

Ambry Genetics
Classification: Likely benign for Hereditary cancer-predisposing syndrome. Last evaluated: 2026-08-21. Review status: criteria provided, single submitter. Criteria: Ambry Variant Classification Scheme 2023. Collection method: clinical testing. Allele origin: germline.

Labcorp Genetics (formerly Invitae), Labcorp
Classification: Uncertain significance. Last evaluated: 2025-04-07. Review status: criteria provided, single submitter. Criteria: Invitae Variant Classification Sherloc (09022015). Collection method: clinical testing. Allele origin: germline.
Comment: This sequence change replaces asparagine, which is neutral and polar, with aspartic acid, which is acidic and polar, at codon 1392 of the POLE protein (p.Asn1392Asp). This variant is not present in population databases (gnomAD no frequency). This variant has not been reported in the literature in individuals affected with POLE-related conditions. ClinVar contains an entry for this variant (Variation ID: 3675959). Invitae Evidence Modeling of protein sequence and biophysical properties (such as structural, functional, and spatial information, amino acid conservation, physicochemical variation, residue mobility, and thermodynamic stability) indicates that this missense variant is not expected to disrupt POLE protein function with a negative predictive value of 80%. In summary, the available evidence is currently insufficient to determine the role of this variant in disease. Therefore, it has been classified as a Variant of Uncertain Significance.

NM_006231.4(POLE):c.4174A>G (p.Asn1392Asp)

Gene: POLE (DNA polymerase epsilon, catalytic subunit; minus strand). Cytogenetic location: 12q24.33.
Variant type: single nucleotide variant.
Coding change: c.4174A>G on transcript NM_006231.4 (MANE Select); coding-DNA position 4174, A replaced by G.
Protein change: p.Asn1392Asp; replaces asparagine 1392 with aspartic acid.
Molecular consequence: missense variant.
Genome position (GRCh38, 1-based): chr12:132,643,953, T>C on the plus strand (A>G on the coding strand, the complement: POLE is on the minus strand). VCF-style: chr12-132643953-T-C. GRCh37 (hg19) VCF-style: chr12-133220539-T-C.
Other names: c.4174A>G (NM_006231.2); short protein forms N1392D.
Identifiers: ClinVar variation 3675959 (VCV003675959.4).
Genomic context (GRCh38, chr12:132,643,953, plus strand): 5'-TGATGTGTTCCTGGTACATGTCCTCTGGCACTGAATACTCATAGAGATTGTAGACCATGT[T>C]GGAGCGAGGAAGGACCCGATTTACCTGGCGAGAATACGACGATGATCTCGTCACTGGGCG-3'
Protein context (NP_006222.2, residues 1382-1402): RKVNRVLPRS[Asn1392Asp]MVYNLYEYSV